The following is an entry in ClinVar:

NM_001429.4(EP300):c.3875-8A>C

Gene: EP300 (EP300 lysine acetyltransferase; plus strand). Cytogenetic location: 22q13.2.
Variant type: single nucleotide variant.
Coding change: c.3875-8A>C on transcript NM_001429.4 (MANE Select); 8 bases into the intron before coding-DNA position 3875, A replaced by C.
Molecular consequence: intron variant.
Genome position (GRCh38, 1-based): chr22:41,168,441, A>C. VCF-style: chr22-41168441-A-C. GRCh37 (hg19) VCF-style: chr22-41564445-A-C.
Other names: c.3797-8A>C (NM_001362843.2); c.3875-8A>C (NM_001429.3).
Identifiers: ClinVar variation 1077635 (VCV001077635.12), dbSNP rs747796024, ClinGen allele CA10253287.

ClinVar aggregate classification (germline): Likely benign. Review status: criteria provided, single submitter (1 of 4 stars). 2 submissions from 2 submitters: Likely benign (1). 1 of the submissions does not count toward it. Last evaluated 2020-03-10.

Conditions:
Rubinstein-Taybi syndrome due to EP300 haploinsufficiency. Also called: EP300-Related Rubinstein-Taybi Syndrome; RUBINSTEIN-TAYBI SYNDROME 2. Identifiers: Orphanet 353284, Orphanet 783, MedGen C3150941, MONDO:0013364, OMIM 613684.
EP300-related disorder. Also called: EP300-related disorders; EP300-related condition.

Allele frequency attached by ClinVar (database versions not stated): TOPMed below 0.00001; gnomAD 0.00001; gnomAD exomes 0.00001; ExAC 0.00002.
gnomAD v4.1: 29 of 1,613,988 alleles (0.0018%); highest among the groups gnomAD compares: Non-Finnish European, 0.0025%; no homozygotes.

Submissions (2):

Labcorp Genetics (formerly Invitae), Labcorp
Classification: Likely benign for Rubinstein-Taybi syndrome due to EP300 haploinsufficiency. Last evaluated: 2020-03-10. Review status: criteria provided, single submitter. Criteria: Invitae Variant Classification Sherloc (09022015). Collection method: clinical testing. Allele origin: germline.

PreventionGenetics, part of Exact Sciences
Classification: Likely benign for EP300-related condition. Last evaluated: 2023-07-14. Review status: no assertion criteria provided. Collection method: clinical testing. Allele origin: germline. Not counted in ClinVar's aggregate classification.
Comment: This variant is classified as likely benign based on ACMG/AMP sequence variant interpretation guidelines (Richards et al. 2015 PMID: 25741868, with internal and published modifications).